The following is an entry in ClinVar:

NM_000271.5(NPC1):c.577A>G (p.Met193Val)

Gene: NPC1 (NPC intracellular cholesterol transporter 1; minus strand). Cytogenetic location: 18q11.2.
Variant type: single nucleotide variant.
Coding change: c.577A>G on transcript NM_000271.5 (MANE Select); coding-DNA position 577, A replaced by G.
Protein change: p.Met193Val; replaces methionine 193 with valine.
Molecular consequence: missense variant.
Genome position (GRCh38, 1-based): chr18:23,561,414, T>C on the plus strand (A>G on the coding strand, the complement: NPC1 is on the minus strand). VCF-style: chr18-23561414-T-C. GRCh37 (hg19) VCF-style: chr18-21141378-T-C.
Other names: short protein forms M193V.
Identifiers: ClinVar variation 2183719 (VCV002183719.3), dbSNP rs747619564, ClinGen allele CA8913703.
Genomic context (GRCh38, chr18:23,561,414, plus strand): 5'-ACCTACCTGAAAACACAGGAGTGATGGTAAAAGGTGCCTGTCCATTGTCCTTATTGAACA[T>C]GTATTCAATCCAGTTGGTGGCATTACAGGCGTCAGCGTCCTTCCCACACAGGAGTCCCAG-3'
Protein context (NP_000262.2, residues 183-203): ACNATNWIEY[Met193Val]FNKDNGQAPF

ClinVar aggregate classification (germline): Uncertain significance (1 of 4 stars; one submission).

Conditions:
Niemann-Pick disease, type C1. Also called: NEUROVISCERAL STORAGE DISEASE WITH VERTICAL SUPRANUCLEAR OPHTHALMOPLEGIA; NIEMANN-PICK DISEASE WITH CHOLESTEROL ESTERIFICATION BLOCK; NIEMANN-PICK DISEASE WITHOUT SPHINGOMYELINASE DEFICIENCY; NIEMANN-PICK DISEASE, CHRONIC NEURONOPATHIC FORM; NIEMANN-PICK DISEASE, VARIANT TYPE C1. Identifiers: Orphanet 646, MedGen C3179455, MONDO:0009757, OMIM 257220.

Allele frequency attached by ClinVar (database versions not stated): gnomAD exomes below 0.00001; TOPMed below 0.00001; ExAC 0.00001.

Submission:

Labcorp Genetics (formerly Invitae), Labcorp
Classification: Uncertain significance for Niemann-Pick disease, type C1. Last evaluated: 2024-10-23. Review status: criteria provided, single submitter. Criteria: Invitae Variant Classification Sherloc (09022015). Collection method: clinical testing. Allele origin: germline.
Comment: This sequence change replaces methionine, which is neutral and non-polar, with valine, which is neutral and non-polar, at codon 193 of the NPC1 protein (p.Met193Val). This variant is present in population databases (rs747619564, gnomAD 0.003%). This variant has not been reported in the literature in individuals affected with NPC1-related conditions. ClinVar contains an entry for this variant (Variation ID: 2183719). Invitae Evidence Modeling of protein sequence and biophysical properties (such as structural, functional, and spatial information, amino acid conservation, physicochemical variation, residue mobility, and thermodynamic stability) indicates that this missense variant is expected to disrupt NPC1 protein function with a positive predictive value of 80%. In summary, the available evidence is currently insufficient to determine the role of this variant in disease. Therefore, it has been classified as a Variant of Uncertain Significance.